The following is an entry in ClinVar:

ClinVar aggregate classification (germline): Benign/Likely benign. Review status: criteria provided, multiple submitters, no conflicts (2 of 4 stars). 13 submissions from 13 submitters: Benign (9); Likely benign (2). 2 of the submissions do not count toward it. Last evaluated 2026-03-01.

Conditions:
Autoinflammatory syndrome. Identifiers: Orphanet 93665, MedGen C3890737, MONDO:0019751.
Pyogenic arthritis-pyoderma gangrenosum-acne syndrome (PAPA). Also called: FAMILIAL RECURRENT ARTHRITIS; PAPA SYNDROME. Identifiers: Orphanet 69126, MedGen C1858361, MONDO:0011462, OMIM 604416.

Allele frequency attached by ClinVar (database versions not stated): 1000 Genomes Project 30x 0.01530; TOPMed 0.01542; ExAC 0.00785; gnomAD exomes 0.00820; ESP Exome Variant Server 0.01103; gnomAD 0.01310 and 0.01363; 1000 Genomes Project 0.01478.
gnomAD v4.1: 7,365 of 1,612,608 alleles (0.46%); highest among the groups gnomAD compares: African/African-American, 3.7%; 81 homozygotes.

Submissions (13):

CeGaT Center for Human Genetics Tuebingen
Classification: Benign. Last evaluated: 2026-03-01. Review status: criteria provided, single submitter. Criteria: CeGaT Center For Human Genetics Tuebingen Variant Classification Criteria Version 2. Collection method: clinical testing. Allele origin: germline. Affected: yes. Observed: 18 variant alleles.
Comment: PSTPIP1: BP4, BS1, BS2

Labcorp Genetics (formerly Invitae), Labcorp
Classification: Benign for Pyogenic arthritis-pyoderma gangrenosum-acne syndrome. Last evaluated: 2026-02-01. Review status: criteria provided, single submitter. Criteria: Invitae Variant Classification Sherloc (09022015). Collection method: clinical testing. Allele origin: germline.

Women's Health and Genetics/Laboratory Corporation of America, LabCorp
Classification: Likely benign. Last evaluated: 2026-01-23. Review status: criteria provided, single submitter. Criteria: LabCorp Variant Classification Summary - May 2015. Collection method: clinical testing. Allele origin: germline.

ARUP Laboratories, Molecular Genetics and Genomics, ARUP Laboratories
Classification: Benign. Last evaluated: 2025-05-13. Review status: criteria provided, single submitter. Criteria: ARUP Molecular Germline Variant Investigation Process 2024. Collection method: clinical testing. Allele origin: germline.

Blueprint Genetics
Classification: Likely benign. Last evaluated: 2024-11-27. Review status: criteria provided, single submitter. Criteria: ACMG Guidelines, 2015. Collection method: clinical testing. Allele origin: germline.

Genome Diagnostics Laboratory, The Hospital for Sick Children
Classification: Benign for Autoinflammatory syndrome. Last evaluated: 2022-02-18. Review status: criteria provided, single submitter. Criteria: ACMG Guidelines, 2015. Collection method: clinical testing. Allele origin: germline. Affected: yes.

Mayo Clinic Laboratories, Mayo Clinic
Classification: Benign. Last evaluated: 2018-10-25. Review status: criteria provided, single submitter. Criteria: ACMG Guidelines, 2015. Collection method: clinical testing. Allele origin: germline. Observed: 21 variant alleles.

Illumina Laboratory Services, Illumina
Classification: Benign for Pyogenic arthritis-pyoderma gangrenosum-acne syndrome. Last evaluated: 2018-03-06. Review status: criteria provided, single submitter. Criteria: ICSL Variant Classification Criteria 13 December 2019. Collection method: clinical testing. Allele origin: germline.
Comment: This variant was observed in the ICSL laboratory as part of a predisposition screen in an ostensibly healthy population. It had not been previously curated by ICSL or reported in the Human Gene Mutation Database (HGMD: prior to June 1st, 2018), and was therefore a candidate for classification through an automated scoring system. Utilizing variant allele frequency, disease prevalence and penetrance estimates, and inheritance mode, an automated score was calculated to assess if this variant is too frequent to cause the disease. Based on the score and internal cut-off values, a variant classified as benign is not then subjected to further curation. The score for this variant resulted in a classification of benign for this disease.

GeneDx
Classification: Benign. Last evaluated: 2015-03-03. Review status: criteria provided, single submitter. Criteria: GeneDx Variant Classification Process June 2021. Collection method: clinical testing. Allele origin: germline. Affected: yes.
Comment: This variant is associated with the following publications: (PMID: 27884173, 21790734, 24233262, 23426477)

Breakthrough Genomics
Classification: Benign. Review status: criteria provided, single submitter. Criteria: ACMG Guidelines, 2015. Collection method: not provided. Allele origin: germline. Inheritance: Autosomal dominant inheritance. Affected: yes.

PreventionGenetics, part of Exact Sciences
Classification: Benign. Review status: criteria provided, single submitter. Criteria: ACMG Guidelines, 2015. Collection method: clinical testing. Allele origin: germline.

Genome Diagnostics Laboratory, University Medical Center Utrecht
Classification: Benign. Review status: no assertion criteria provided. Collection method: clinical testing. Allele origin: germline. Affected: yes. Study: VKGL Data-share Consensus. Not counted in ClinVar's aggregate classification.

Laboratory of Diagnostic Genome Analysis, Leiden University Medical Center (LUMC)
Classification: Likely benign. Review status: no assertion criteria provided. Collection method: clinical testing. Allele origin: germline. Affected: yes. Study: VKGL Data-share Consensus. Not counted in ClinVar's aggregate classification.

NM_003978.5(PSTPIP1):c.773G>C (p.Gly258Ala)

Gene: PSTPIP1 (proline-serine-threonine phosphatase interacting protein 1; plus strand). Cytogenetic location: 15q24.3.
Variant type: single nucleotide variant.
Coding change: c.773G>C on transcript NM_003978.5 (MANE Select); coding-DNA position 773, G replaced by C.
Protein change: p.Gly258Ala; replaces glycine 258 with alanine.
Molecular consequence: missense variant.
Genome position (GRCh38, 1-based): chr15:77,032,329, G>C. VCF-style: chr15-77032329-G-C. GRCh37 (hg19) VCF-style: chr15-77324670-G-C.
Other names: c.773G>C (LRG_172t1); c.773G>C, p.Gly258Ala (NM_001321135.2); c.746G>C, p.Gly249Ala (NM_001321136.2); c.968G>C, p.Gly323Ala (NM_001321137.1); short protein forms G258A, G323A, G249A.
Identifiers: ClinVar variation 259211 (VCV000259211.67), dbSNP rs34240327, ClinGen allele CA7675978.